The following is an entry in ClinVar:

NM_001099274.3(TINF2):c.790G>A (p.Gly264Ser)

Gene: TINF2 (TERF1 interacting nuclear factor 2; minus strand). Cytogenetic location: 14q12.
Variant type: single nucleotide variant.
Coding change: c.790G>A on transcript NM_001099274.3 (MANE Select); coding-DNA position 790, G replaced by A.
Protein change: p.Gly264Ser; replaces glycine 264 with serine.
Molecular consequence: missense variant.
Genome position (GRCh38, 1-based): chr14:24,240,690, C>T on the plus strand (G>A on the coding strand, the complement: TINF2 is on the minus strand). VCF-style: chr14-24240690-C-T. GRCh37 (hg19) VCF-style: chr14-24709896-C-T.
Other names: c.685G>A, p.Gly229Ser (NM_001363668.2); c.790G>A, p.Gly264Ser (NM_012461.3); short protein forms G229S, G264S.
Identifiers: ClinVar variation 2079474 (VCV002079474.4), dbSNP rs2040556025, ClinGen allele CA389226317.

ClinVar aggregate classification (germline): Uncertain significance (1 of 4 stars; one submission).

Conditions:
Dyskeratosis congenita. Identifiers: Orphanet 1775, MedGen C0265965, MONDO:0015780.

Allele frequency attached by ClinVar (database versions not stated): gnomAD exomes below 0.00001; TOPMed below 0.00001.
gnomAD v4.1: 1 of 1,614,018 alleles (0.000062%); highest among the groups gnomAD compares: Non-Finnish European, 0.000085%; no homozygotes.

Submission:

Labcorp Genetics (formerly Invitae), Labcorp
Classification: Uncertain significance for Dyskeratosis congenita. Last evaluated: 2022-07-29. Review status: criteria provided, single submitter. Criteria: Invitae Variant Classification Sherloc (09022015). Collection method: clinical testing. Allele origin: germline.
Comment: In summary, the available evidence is currently insufficient to determine the role of this variant in disease. Therefore, it has been classified as a Variant of Uncertain Significance. Algorithms developed to predict the effect of missense changes on protein structure and function are either unavailable or do not agree on the potential impact of this missense change (SIFT: "Deleterious"; PolyPhen-2: "Probably Damaging"; Align-GVGD: "Class C0"). This variant has not been reported in the literature in individuals affected with TINF2-related conditions. This variant is not present in population databases (gnomAD no frequency). This sequence change replaces glycine, which is neutral and non-polar, with serine, which is neutral and polar, at codon 264 of the TINF2 protein (p.Gly264Ser).